The following is an entry in ClinVar:

ClinVar aggregate classification (germline): Uncertain significance. Review status: criteria provided, single submitter (1 of 4 stars). 2 submissions from 1 submitter: Uncertain significance (2). Last evaluated 2021-03-30.

Conditions:
Insulin-dependent diabetes mellitus secretory diarrhea syndrome (IPEX). Also called: Immune dysregulation-polyendocrinopathy-enteropathy-X-linked syndrome; IPEX and IPEX-Like; Immunodeficiency, Polyendocrinopathy, and Enteropathy X-Linked Syndrome; X-Linked Syndrome of Polyendocrinopathy, Immune Dysfunction, and Diarrhea; X-Linked Autoimmunity-Allergic Dysregulation Syndrome; IMMUNODEFICIENCY, POLYENDOCRINOPATHY, AND ENTEROPATHY, X-LINKED. Identifiers: Orphanet 37042, MedGen C0342288, MONDO:0010580, OMIM 304790. Disease mechanism: loss of function.
Diabetes mellitus type 1 (T1D). Also called: Diabetes Mellitus, Juvenile-Onset; Type I diabetes mellitus. Identifiers: MedGen C0011854, MONDO:0005147, OMIM 222100, HP:0100651.

Allele frequency attached by ClinVar (database versions not stated): gnomAD exomes below 0.00001.
gnomAD v4.1: 1 of 1,177,104 alleles (0.000085%); highest among the groups gnomAD compares: Non-Finnish European, 0.00011%; no homozygotes.

Submissions (2):

Center for Genomics, Ann and Robert H. Lurie Children's Hospital of Chicago
Classification: Uncertain significance for Insulin-dependent diabetes mellitus secretory diarrhea syndrome. Last evaluated: 2021-03-30. Review status: criteria provided, single submitter. Criteria: ACMG Guidelines, 2015. Collection method: clinical testing. Allele origin: germline.
Comment: FOXP3 NM_014009.3 exon 2 p.Asp34Glu (c.102C>A): This variant has not been reported in the literature and is not present in large control databases. This variant Glutamic acid (Glu) is present in several species including mammals ; this suggests that this variant may not impact the protein. Additional computational prediction tools do not suggest an impact. In summary, data on this variant is insufficient for disease classification. Therefore, the clinical significance of this variant is uncertain.

Center for Genomics, Ann and Robert H. Lurie Children's Hospital of Chicago
Classification: Uncertain significance for Insulin-dependent diabetes mellitus secretory diarrhea syndrome; Diabetes mellitus type 1. Last evaluated: 2020-08-04. Review status: criteria provided, single submitter. Criteria: ACMG Guidelines, 2015. Collection method: clinical testing. Allele origin: germline.
Comment: the same text as in the submission from Center for Genomics, Ann and Robert H. Lurie Children's Hospital of Chicago above.

NM_014009.4(FOXP3):c.102C>A (p.Asp34Glu)

Gene: FOXP3 (forkhead box P3; minus strand). Cytogenetic location: Xp11.23.
Variant type: single nucleotide variant.
Coding change: c.102C>A on transcript NM_014009.4 (MANE Select); coding-DNA position 102, C replaced by A.
Protein change: p.Asp34Glu; replaces aspartic acid 34 with glutamic acid.
Molecular consequence: missense variant.
Genome position (GRCh38, 1-based): chrX:49,258,404, G>T on the plus strand (C>A on the coding strand, the complement: FOXP3 is on the minus strand). VCF-style: chrX-49258404-G-T. GRCh37 (hg19) VCF-style: chrX-49114861-G-T.
Other names: c.102C>A, p.Asp34Glu (NM_001114377.2); short protein forms D34E.
Identifiers: ClinVar variation 992538 (VCV000992538.2), dbSNP rs2066088699, ClinGen allele CA412954171.
Genomic context (GRCh38, chrX:49,258,404, plus strand): 5'-GGCCCCGCCTCGAAGATCTCGGCCCTGGAAGGTTCCCCCTGGGCCCCGGGCCCCCAGCAG[G>T]TCTGAGGCTTTGGGTGCAGCCCTCCAGCTGGGCGAGGCTCCTGGGGATGGGCCAAGGGCC-3'
Protein context (NP_054728.2, residues 24-44): PSWRAAPKAS[Asp34Glu]LLGARGPGGT